The following is an entry in ClinVar:

ClinVar aggregate classification (germline): Uncertain significance (1 of 4 stars; one submission).

Allele frequency attached by ClinVar (database versions not stated): gnomAD exomes below 0.00001; TOPMed below 0.00001.
gnomAD v4.1: 2 of 1,614,160 alleles (0.00012%); highest among the groups gnomAD compares: Non-Finnish European, 0.00017%; no homozygotes.

Submission:

Labcorp Genetics (formerly Invitae), Labcorp
Classification: Uncertain significance. Last evaluated: 2022-08-03. Review status: criteria provided, single submitter. Criteria: Invitae Variant Classification Sherloc (09022015). Collection method: clinical testing. Allele origin: germline.
Comment: In summary, the available evidence is currently insufficient to determine the role of this variant in disease. Therefore, it has been classified as a Variant of Uncertain Significance. Algorithms developed to predict the effect of missense changes on protein structure and function are either unavailable or do not agree on the potential impact of this missense change (SIFT: "Deleterious"; PolyPhen-2: "Probably Damaging"; Align-GVGD: "Class C0"). This variant has not been reported in the literature in individuals affected with ARHGEF10-related conditions. This variant is not present in population databases (gnomAD no frequency). This sequence change replaces serine, which is neutral and polar, with asparagine, which is neutral and polar, at codon 610 of the ARHGEF10 protein (p.Ser610Asn).

NM_014629.4(ARHGEF10):c.1829G>A (p.Ser610Asn)

Gene: ARHGEF10 (Rho guanine nucleotide exchange factor 10; plus strand). Cytogenetic location: 8p23.3.
Variant type: single nucleotide variant.
Coding change: c.1829G>A on transcript NM_014629.4 (MANE Select); coding-DNA position 1829, G replaced by A.
Protein change: p.Ser610Asn; replaces serine 610 with asparagine.
Molecular consequence: missense variant.
Genome position (GRCh38, 1-based): chr8:1,905,578, G>A. VCF-style: chr8-1905578-G-A. GRCh37 (hg19) VCF-style: chr8-1853744-G-A.
Other names: c.1715G>A, p.Ser572Asn (NM_001308152.2); c.1829G>A, p.Ser610Asn (NM_001308153.3); short protein forms S634N, S572N, S610N.
Identifiers: ClinVar variation 1907383 (VCV001907383.5), dbSNP rs1810820305, ClinGen allele CA369961469.